The following is an entry in ClinVar:

NM_183075.3(CYP2U1):c.992A>G (p.Asn331Ser)

Gene: CYP2U1 (cytochrome P450 family 2 subfamily U member 1; plus strand). Cytogenetic location: 4q25.
Variant type: single nucleotide variant.
Coding change: c.992A>G on transcript NM_183075.3 (MANE Select); coding-DNA position 992, A replaced by G.
Protein change: p.Asn331Ser; replaces asparagine 331 with serine.
Molecular consequence: missense variant.
Genome position (GRCh38, 1-based): chr4:107,945,471, A>G. VCF-style: chr4-107945471-A-G. GRCh37 (hg19) VCF-style: chr4-108866627-A-G.
Other names: short protein forms N331S.
Identifiers: ClinVar variation 458309 (VCV000458309.57), dbSNP rs148983337, ClinGen allele CA3037093.

ClinVar aggregate classification (germline): Benign/Likely benign. Review status: criteria provided, multiple submitters, no conflicts (2 of 4 stars). 5 submissions from 5 submitters: Benign (1); Likely benign (3). 1 of the submissions does not count toward it. Last evaluated 2026-04-01.

Conditions:
CYP2U1-related disorder. Also called: CYP2U1-related condition.
Spastic paraplegia. Identifiers: MedGen C0037772, HP:0001258.
Hereditary spastic paraplegia. Also called: Familial spastic paraparesis. Identifiers: Orphanet 685, MedGen C0037773, MONDO:0019064. Disease mechanism: loss of function.

Allele frequency attached by ClinVar (database versions not stated): gnomAD 0.00083 and 0.00086; ESP Exome Variant Server 0.00092; gnomAD exomes 0.00102 and 0.00123; TOPMed 0.00108; ExAC 0.00126; 1000 Genomes Project 0.00140; 1000 Genomes Project 30x 0.00156.

Submissions (7):

CeGaT Center for Human Genetics Tuebingen
Classification: Likely benign. Last evaluated: 2026-04-01. Review status: criteria provided, single submitter. Criteria: CeGaT Center For Human Genetics Tuebingen Variant Classification Criteria Version 2. Collection method: clinical testing. Allele origin: germline. Affected: yes. Observed: 14 variant alleles.
Comment: CYP2U1: BP4, BS2

Labcorp Genetics (formerly Invitae), Labcorp
Classification: Benign for Spastic paraplegia. Last evaluated: 2026-01-15. Review status: criteria provided, single submitter. Criteria: Invitae Variant Classification Sherloc (09022015). Collection method: clinical testing. Allele origin: germline.

Blueprint Genetics
Classification: Likely benign. Last evaluated: 2024-11-26. Review status: criteria provided, single submitter. Criteria: ACMG Guidelines, 2015. Collection method: clinical testing. Allele origin: germline.

Genome Diagnostics Laboratory, The Hospital for Sick Children
Classification: Likely benign for Hereditary spastic paraplegia. Last evaluated: 2021-02-18. Review status: criteria provided, single submitter. Criteria: ACMG Guidelines, 2015. Collection method: clinical testing. Allele origin: germline. Affected: yes.

PreventionGenetics, part of Exact Sciences
Classification: Likely benign for CYP2U1-related condition. Last evaluated: 2022-04-01. Review status: no assertion criteria provided. Collection method: clinical testing. Allele origin: germline. Not counted in ClinVar's aggregate classification.
Comment: This variant is classified as likely benign based on ACMG/AMP sequence variant interpretation guidelines (Richards et al. 2015 PMID: 25741868, with internal and published modifications).

Dr. Peter K. Rogan Lab, Western University
No classification provided (evidence only). Condition: Gastric cancer. Review status: no classification provided. Collection method: in vitro. Allele origin: not applicable. Functional consequence: retained intron. Not counted in ClinVar's aggregate classification.

Dr. Peter K. Rogan Lab, Western University
No classification provided (evidence only). Condition: Malignant tumor of esophagus. Review status: no classification provided. Collection method: in vitro. Allele origin: not applicable. Functional consequence: retained intron. Not counted in ClinVar's aggregate classification.